The following is an entry in ClinVar:

ClinVar aggregate classification (germline): association (0 of 4 stars; one submission).

Conditions:
repeat number of microsatellite. Also called: repeat number of NOS2 microsatellite. Identifiers: MedGen CN186682.

Allele frequency attached by ClinVar (database versions not stated): gnomAD 0.99975 and 0.35646 and 0.35675; TOPMed 0.35815; 1000 Genomes Project 0.37101; 1000 Genomes Project 30x 0.37196.

Submission:

Urology laboratory, deVerdier, Karolinska Institutet
Classification: association for repeat number of microsatellite. Last evaluated: 2010-11-01. Review status: no assertion criteria provided. Collection method: case-control. Allele origin: germline. Affected: yes. Observed: 121 variant alleles. Study: NOS2-project.
Comment: Associated with number of repeats in the nearby NOS2 promoter CCTTT microsatellite, that has been associated with several human diseases, e.g. different types of cancer and malaria.

Literature cited by the submitters: PubMed 20850837.

NC_000017.11:g.27803092=

Genes: NOS2 (nitric oxide synthase 2; minus strand), LOC111365141 (NOS2 5' regulatory region; plus strand). Cytogenetic location: 17q11.2.
Variant type: single nucleotide variant.
Genome position: GRCh38 VCF-style: chr17-27803092-G-G. GRCh37 (hg19) VCF-style: chr17-26130118-G-G.
Identifiers: ClinVar variation 126491 (VCV000126491.3), dbSNP rs1555541929.
Genomic context (GRCh38, chr17:27,803,092, plus strand): 5'-GTCTGGGAGTTAGAGGCTGCAGAGAGCTATGGTCGCGCCACTGCACCCTAGCCTGTCTCA[G=]AAAAAAAAGGAAAAAAAAGAGGGAAAGGAGGAAAGGAAAGGAAAGGAAAGGAAAGGAAAG-3'